The following is an entry in ClinVar:

NM_000104.4(CYP1B1):c.367T>C (p.Phe123Leu)

Gene: CYP1B1 (cytochrome P450 family 1 subfamily B member 1; minus strand). Cytogenetic location: 2p22.2.
Variant type: single nucleotide variant.
Coding change: c.367T>C on transcript NM_000104.4 (MANE Select); coding-DNA position 367, T replaced by C.
Protein change: p.Phe123Leu; replaces phenylalanine 123 with leucine.
Molecular consequence: missense variant.
Genome position (GRCh38, 1-based): chr2:38,075,022, A>G on the plus strand (T>C on the coding strand, the complement: CYP1B1 is on the minus strand). VCF-style: chr2-38075022-A-G. GRCh37 (hg19) VCF-style: chr2-38302165-A-G.
Other names: NM_000104.4(CYP1B1):c.367T>C; p.Phe123Leu; short protein forms F123L.
Identifiers: ClinVar variation 895383 (VCV000895383.6), dbSNP rs769402060, ClinGen allele CA1620046.

ClinVar aggregate classification (germline): Uncertain significance. Review status: reviewed by expert panel (3 of 4 stars). 5 submissions from 4 submitters: Uncertain significance (1). 4 of the submissions do not count toward it. Last evaluated 2025-11-19.

Conditions:
Irido-corneo-trabecular dysgenesis (ASGD5). Also called: ANTERIOR SEGMENT DYSGENESIS 5. Identifiers: Orphanet 708, MedGen C0344559, MONDO:0011414, OMIM 604229, HP:0000659.
CYP1B1-related glaucoma with or without anterior segment dysgenesis. Identifiers: MedGen CN375931, MONDO:0800472.
Glaucoma 3A. Also called: Glaucoma 3, primary congenital, A. Identifiers: Orphanet 98976, Orphanet 98977, MedGen C1856439, MONDO:0009277, OMIM 231300.
Glaucoma 3, primary infantile, B. Also called: GLC3 type B; Primary congenital glaucoma type 3B; Glaucoma primary congenita type 3B; GLAUCOMA, PRIMARY CONGENITAL, TYPE B; GLC3B. Identifiers: Orphanet 98976, MedGen C1832977, MONDO:0010968, OMIM 600975.
Anterior segment dysgenesis 6 (ASGD6). Also called: Anterior segment dysgenesis 6, multiple subtypes. Identifiers: MedGen C4310623, MONDO:0015016, OMIM 617315.

Allele frequency attached by ClinVar (database versions not stated): gnomAD exomes 0.00002 and 0.00003; TOPMed 0.00003; gnomAD 0.00004; ExAC 0.00005.

Submissions (5):

ClinGen Glaucoma Variant Curation Expert Panel
Classification: Uncertain significance for CYP1B1-related glaucoma with or without anterior segment dysgenesis. Last evaluated: 2025-11-19. Review status: reviewed by expert panel. Criteria: ClinGen CYP1B1 ACMG Specifications V1 Approved. Collection method: curation. Allele origin: germline. Inheritance: Autosomal recessive inheritance.
Comment: The c.367T>C variant in CYP1B1 is a missense variant predicted to cause substitution of Phenylalanine by Leucine at amino acid 123 (p.Phe123Leu). The highest minor allele frequency of this variant was in the Admixed American genetic ancestry group of gnomAD (v4.1) = 0.00003363 (2 alleles out of 59474), which met the ≤ 0.0005 threshold set for PM2_Supporting in a genetic ancestry group of at least 2,000 alleles. This missense variant was not predicted to affect splicing, as assessed with SpliceAI (≤ 0.1) and the REVEL score = 0.544, which was neither above nor below the thresholds for PP3 (≥ 0.644) or BP4 (≤ 0.290), predicting a damaging or benign impact on CYP1B1 function. PS3_Supporting was not applied, as although the OddsPath threshold was met (> 2.1), the threshold for abnormal impact on protein function in the assays could not be determined (PMID: 27060699). This variant has not been identified as homozygous or compound heterozygous with another variant in CYP1B1, therefore PM3 was not applied. In summary, this variant met the criteria to receive a score of 1 and to be classified as a variant of uncertain significance (uncertain significance classification range -1 to 5, adapted from PMID: 32720330) for CYP1B1-related glaucoma with or without anterior segment dysgenesis (ASD) based on the ACMG/AMP criteria met, as specified by the ClinGen Glaucoma VCEP (v1.0, 06.11.2025): PM2_Supporting

Department of Pathology and Laboratory Medicine, Sinai Health System
Classification: Uncertain significance for CYP1B1-related glaucoma with or without anterior segment dysgenesis. Last evaluated: 2022-09-01. Review status: criteria provided, single submitter. Criteria: ACMG Guidelines, 2015. Collection method: research. Allele origin: germline. Not counted in ClinVar's aggregate classification.

Fulgent Genetics
Classification: Uncertain significance for Glaucoma 3A; Glaucoma 3, primary infantile, B; Anterior segment dysgenesis 6. Last evaluated: 2021-11-05. Review status: criteria provided, single submitter. Criteria: ACMG Guidelines, 2015. Collection method: clinical testing. Allele origin: unknown. Not counted in ClinVar's aggregate classification.

Illumina Laboratory Services, Illumina
Classification: Uncertain significance for Glaucoma 3A. Last evaluated: 2017-04-28. Review status: criteria provided, single submitter. Criteria: ICSL Variant Classification Criteria 13 December 2019. Collection method: clinical testing. Allele origin: germline. Not counted in ClinVar's aggregate classification.
Comment: This variant was observed as part of a predisposition screen in an ostensibly healthy population. A literature search was performed for the gene, cDNA change, and amino acid change (where applicable). Publications were found based on this search. However, the evidence from the literature, in combination with allele frequency data from public databases where available, was not sufficient to rule this variant in or out of causing disease. Therefore, this variant is classified as a variant of unknown significance.

Illumina Laboratory Services, Illumina
Classification: Uncertain significance for Irido-corneo-trabecular dysgenesis. Last evaluated: 2017-04-28. Review status: criteria provided, single submitter. Criteria: ICSL Variant Classification Criteria 13 December 2019. Collection method: clinical testing. Allele origin: germline. Not counted in ClinVar's aggregate classification.

Literature cited by the submitters: PubMed 27060699 (cited by Illumina Laboratory Services, Illumina); PubMed 23218183 (cited by Illumina Laboratory Services, Illumina).